The following is an entry in ClinVar:

NC_000012.12:g.121641453C>T

Gene: ORAI1 (ORAI calcium release-activated calcium modulator 1; plus strand). Cytogenetic location: 12q24.31.
Variant type: single nucleotide variant.
Genome position: GRCh38 VCF-style: chr12-121641453-C-T. GRCh37 (hg19) VCF-style: chr12-122079359-C-T.
Other names: c.716C>T, p.Ser239Leu (NM_032790.4); short protein forms S239L.
Identifiers: ClinVar variation 1003888 (VCV001003888.7), dbSNP rs782580422, ClinGen allele CA6837550.

ClinVar aggregate classification (germline): Uncertain significance (1 of 4 stars; one submission).

Conditions:
Combined immunodeficiency due to ORAI1 deficiency. Also called: IMMUNODEFICIENCY 9. Identifiers: Orphanet 169090, Orphanet 317428, MedGen C2748568, MONDO:0013007, OMIM 612782.
Myopathy, tubular aggregate, 2 (TAM2). Identifiers: MedGen C4014557, MONDO:0014383, OMIM 615883.

Allele frequency attached by ClinVar (database versions not stated): gnomAD exomes below 0.00001 and 0.00001; TOPMed below 0.00001; ExAC 0.00001; gnomAD 0.00001.

Submission:

Labcorp Genetics (formerly Invitae), Labcorp
Classification: Uncertain significance for Myopathy, tubular aggregate, 2; Combined immunodeficiency due to ORAI1 deficiency. Last evaluated: 2020-08-02. Review status: criteria provided, single submitter. Criteria: Invitae Variant Classification Sherloc (09022015). Collection method: clinical testing. Allele origin: germline.
Comment: This variant is present in population databases (rs782580422, ExAC 0.006%). This variant has not been reported in the literature in individuals with ORAI1-related conditions. In summary, the available evidence is currently insufficient to determine the role of this variant in disease. Therefore, it has been classified as a Variant of Uncertain Significance. Experimental studies and prediction algorithms are not available or were not evaluated, and the functional significance of this variant is currently unknown. This sequence change replaces serine with leucine at codon 239 of the ORAI1 protein (p.Ser239Leu). The serine residue is highly conserved and there is a large physicochemical difference between serine and leucine.